The following is an entry in ClinVar:

NM_017780.4(CHD7):c.5439C>T (p.Pro1813=)

Gene: CHD7 (chromodomain helicase DNA binding protein 7; plus strand). Cytogenetic location: 8q12.2.
Variant type: single nucleotide variant.
Coding change: c.5439C>T on transcript NM_017780.4 (MANE Select); coding-DNA position 5439, C replaced by T.
Protein change: p.Pro1813=; no amino-acid change (proline 1813 retained).
Molecular consequence: synonymous variant. On other transcripts: intron variant (1).
Genome position (GRCh38, 1-based): chr8:60,850,527, C>T. VCF-style: chr8-60850527-C-T. GRCh37 (hg19) VCF-style: chr8-61763086-C-T.
Other names: c.1717-11702C>T (NM_001316690.1).
Identifiers: ClinVar variation 166868 (VCV000166868.25), dbSNP rs373869399, ClinGen allele CA233723.

ClinVar aggregate classification (germline): Conflicting classifications of pathogenicity. Review status: criteria provided, conflicting classifications (1 of 4 stars). 6 submissions from 6 submitters: Uncertain significance (1); Benign (2); Likely benign (3). Last evaluated 2026-02-01.

Conditions:
Inborn genetic diseases. Identifiers: MedGen C0950123, MeSH D030342.
CHARGE syndrome (CHARGE). Also called: CHARGE ASSOCIATION--COLOBOMA, HEART ANOMALY, CHOANAL ATRESIA, RETARDATION, GENITAL AND EAR ANOMALIES; Hittner Hirsch Kreh syndrome; Coloboma, heart anomaly, choanal atresia, retardation, genital and ear anomalies; CHARGE association; Hall-Hittner syndrome. Identifiers: Orphanet 138, MedGen C0265354, MONDO:0008965.

Allele frequency attached by ClinVar (database versions not stated): 1000 Genomes Project 0.00080; ESP Exome Variant Server 0.00008; gnomAD 0.00015 and 0.00008; TOPMed 0.00007; gnomAD exomes 0.00040 and 0.00018; ExAC 0.00041; 1000 Genomes Project 30x 0.00062.
gnomAD v4.1: 288 of 1,613,640 alleles (0.018%); highest among the groups gnomAD compares: South Asian, 0.23%; 5 homozygotes.

Submissions (6):

CeGaT Center for Human Genetics Tuebingen
Classification: Likely benign. Last evaluated: 2026-02-01. Review status: criteria provided, single submitter. Criteria: CeGaT Center For Human Genetics Tuebingen Variant Classification Criteria Version 2. Collection method: clinical testing. Allele origin: germline. Affected: yes. Observed: 3 variant alleles.
Comment: CHD7: BP4, BP7

Labcorp Genetics (formerly Invitae), Labcorp
Classification: Benign for CHARGE syndrome. Last evaluated: 2025-11-02. Review status: criteria provided, single submitter. Criteria: Invitae Variant Classification Sherloc (09022015). Collection method: clinical testing. Allele origin: germline.

Blueprint Genetics
Classification: Likely benign. Last evaluated: 2023-10-30. Review status: criteria provided, single submitter. Criteria: ACMG Guidelines, 2015. Collection method: clinical testing. Allele origin: germline.

GeneDx
Classification: Benign. Last evaluated: 2020-01-13. Review status: criteria provided, single submitter. Criteria: GeneDx Variant Classification Process June 2021. Collection method: clinical testing. Allele origin: germline. Affected: yes.

Ambry Genetics
Classification: Likely benign for Inborn genetic diseases. Last evaluated: 2017-12-19. Review status: criteria provided, single submitter. Criteria: Ambry Variant Classification Scheme 2023. Collection method: clinical testing. Allele origin: germline.

Eurofins Ntd Llc (ga)
Classification: Uncertain significance. Last evaluated: 2014-01-10. Review status: criteria provided, single submitter. Criteria: EGL Classification Definitions 2015. Collection method: clinical testing. Allele origin: germline. Observed: 1 variant allele, 1 heterozygote.